The following is an entry in ClinVar:

ClinVar aggregate classification (germline): Uncertain significance. Review status: criteria provided, multiple submitters, no conflicts (2 of 4 stars). 2 submissions from 2 submitters: Uncertain significance (2). Last evaluated 2020-12-02.

Conditions:
Hypertrophic cardiomyopathy 26. Also called: Cardiomyopathy, familial hypertrophic, 26. Identifiers: Orphanet 75249, MedGen C4310749, MONDO:0014883, OMIM 617047.
Distal myopathy with posterior leg and anterior hand involvement. Also called: WILLIAMS DISTAL MYOPATHY. Identifiers: Orphanet 63273, MedGen C3279722, MONDO:0013550, OMIM 614065.
Myofibrillar myopathy 5. Also called: Filaminopathy (type); FILAMINOPATHY, AUTOSOMAL DOMINANT. Identifiers: Orphanet 171445, MedGen C1836050, MONDO:0012289, OMIM 609524.
Dilated Cardiomyopathy, Dominant.

Allele frequency attached by ClinVar (database versions not stated): gnomAD below 0.00001 and 0.00001; ExAC 0.00001; gnomAD exomes 0.00001.
gnomAD v4.1: 14 of 1,610,462 alleles (0.00087%); highest among the groups gnomAD compares: Middle Eastern, 0.016%; 1 homozygote.

Submissions (2):

Labcorp Genetics (formerly Invitae), Labcorp
Classification: Uncertain significance for Distal myopathy with posterior leg and anterior hand involvement; Myofibrillar myopathy 5; Hypertrophic cardiomyopathy 26. Last evaluated: 2020-12-02. Review status: criteria provided, single submitter. Criteria: Invitae Variant Classification Sherloc (09022015). Collection method: clinical testing. Allele origin: germline.
Comment: In summary, the available evidence is currently insufficient to determine the role of this variant in disease. Therefore, it has been classified as a Variant of Uncertain Significance. Algorithms developed to predict the effect of missense changes on protein structure and function (SIFT, PolyPhen-2, Align-GVGD) all suggest that this variant is likely to be disruptive, but these predictions have not been confirmed by published functional studies and their clinical significance is uncertain. This variant has not been reported in the literature in individuals with FLNC-related conditions. ClinVar contains an entry for this variant (Variation ID: 930416). The frequency data for this variant in the population databases is considered unreliable, as metrics indicate poor data quality at this position in the ExAC database. This sequence change replaces arginine with tryptophan at codon 2641 of the FLNC protein (p.Arg2641Trp). The arginine residue is highly conserved and there is a moderate physicochemical difference between arginine and tryptophan.

Centre for Mendelian Genomics, University Medical Centre Ljubljana
Classification: Uncertain significance for Hypertrophic cardiomyopathy 26. Last evaluated: 2019-03-21. Review status: criteria provided, single submitter. Criteria: ACMG Guidelines, 2015. Collection method: clinical testing. Allele origin: unknown. Affected: yes.
Comment: This variant was classified as: Uncertain significance. The available evidence on this variant's pathogenicity is insufficient or conflicting. The following ACMG criteria were applied in classifying this variant: PP3.

NM_001458.5(FLNC):c.7921C>T (p.Arg2641Trp)

Genes: FLNC (filamin C; plus strand), FLNC-AS1 (FLNC antisense RNA 1; minus strand). Cytogenetic location: 7q32.1.
Variant type: single nucleotide variant.
Coding change: c.7921C>T on transcript NM_001458.5 (MANE Select); coding-DNA position 7921, C replaced by T.
Protein change: p.Arg2641Trp; replaces arginine 2641 with tryptophan.
Molecular consequence: missense variant.
Genome position (GRCh38, 1-based): chr7:128,858,148, C>T. VCF-style: chr7-128858148-C-T. GRCh37 (hg19) VCF-style: chr7-128498202-C-T.
Other names: c.7822C>T, p.Arg2608Trp (NM_001127487.2); short protein forms R2641W, R2608W.
Identifiers: ClinVar variation 930416 (VCV000930416.9), dbSNP rs750629528, ClinGen allele CA4476381.
Genomic context (GRCh38, chr7:128,858,148, plus strand): 5'-CGGGGCTCCAGCTACAGCTCCATCCCCAAGTTCTCCTCAGATGCCAGCAAGGTGGTGACT[C>T]GGGGCCCTGGGCTGTCCCAGGCCTTCGTGGGCCAGAAGAACTCCTTCACCGTGGACTGCA-3'
Protein context (NP_001449.3, residues 2631-2651): FSSDASKVVT[Arg2641Trp]GPGLSQAFVG